The following is an entry in ClinVar:

NM_024611.6(ICE2):c.1125+13T>G

Gene: ICE2 (interactor of little elongation complex ELL subunit 2; minus strand). Cytogenetic location: 15q22.2.
Variant type: single nucleotide variant.
Coding change: c.1125+13T>G on transcript NM_024611.6 (MANE Select); 13 bases into the intron after coding-DNA position 1125, T replaced by G.
Molecular consequence: intron variant. On other transcripts: missense variant (1).
Genome position (GRCh38, 1-based): chr15:60,453,590, A>C on the plus strand (T>G on the coding strand, the complement: ICE2 is on the minus strand). VCF-style: chr15-60453590-A-C. GRCh37 (hg19) VCF-style: chr15-60745789-A-C.
Other names: c.1138T>G, p.Phe380Val (NM_001276385.2); c.714+13T>G (NM_001018089.3); short protein forms F380V.
Identifiers: ClinVar variation 3044984 (VCV003044984.2), dbSNP rs199560072, ClinGen allele CA7593063.

ClinVar aggregate classification (germline): Likely benign (0 of 4 stars; one submission).

Conditions:
ICE2-related disorder. Also called: ICE2-related condition.

Allele frequency attached by ClinVar (database versions not stated): ESP Exome Variant Server 0.00062; gnomAD 0.00065; TOPMed 0.00083; gnomAD exomes 0.00102; ExAC 0.00128.
gnomAD v4.1: 1,575 of 1,610,102 alleles (0.098%); highest among the groups gnomAD compares: Admixed American, 0.18%; 1 homozygote.

Submission:

PreventionGenetics, part of Exact Sciences
Classification: Likely benign for ICE2-related condition. Last evaluated: 2022-10-10. Review status: no assertion criteria provided. Collection method: clinical testing. Allele origin: germline.
Comment: This variant is classified as likely benign based on ACMG/AMP sequence variant interpretation guidelines (Richards et al. 2015 PMID: 25741868, with internal and published modifications).